The following is an entry in ClinVar:

ClinVar aggregate classification (germline): Likely benign. Review status: criteria provided, multiple submitters, no conflicts (2 of 4 stars). 4 submissions from 4 submitters: Likely benign (2). 2 of the submissions do not count toward it. Last evaluated 2026-08-01.

Conditions:
Microcephaly. Also called: Microcephaly (disease). Identifiers: MedGen C4551563, MONDO:0001149, HP:0000252.

Allele frequency attached by ClinVar (database versions not stated): gnomAD 0.00007 and 0.00011; ExAC 0.00028; 1000 Genomes Project 30x 0.00031; TOPMed 0.00031; 1000 Genomes Project 0.00040.
gnomAD v4.1: 142 of 1,611,492 alleles (0.0088%); highest among the groups gnomAD compares: East Asian, 0.27%; no homozygotes.

Submissions (4):

CeGaT Center for Human Genetics Tuebingen
Classification: Likely benign. Last evaluated: 2026-08-01. Review status: criteria provided, single submitter. Criteria: CeGaT Center For Human Genetics Tuebingen Variant Classification Criteria Version 2. Collection method: clinical testing. Allele origin: germline. Affected: yes. Observed: 2 variant alleles.
Comment: ARID2: PP2, BS1

Labcorp Genetics (formerly Invitae), Labcorp
Classification: Likely benign. Last evaluated: 2019-12-31. Review status: criteria provided, single submitter. Criteria: Invitae Variant Classification Sherloc (09022015). Collection method: clinical testing. Allele origin: germline.

ITMI
No classification provided. Condition: AllHighlyPenetrant. Last evaluated: 2013-09-19. Review status: no classification provided. Collection method: reference population. Allele origin: germline. Not counted in ClinVar's aggregate classification.
Comment: Please see associated publication for description of ethnicities

Department of Pediatrics, Samsung Medical Center, Samsung Medical Center
Classification: Uncertain significance for Microcephaly. Review status: no assertion criteria provided. Criteria: ACMG Guidelines, 2015. Collection method: research. Allele origin: germline. Affected: yes. Not counted in ClinVar's aggregate classification.

Literature cited by the submitters: PubMed 24728327 (cited by ITMI).

NM_152641.4(ARID2):c.28C>A (p.Pro10Thr)

Gene: ARID2 (AT-rich interaction domain 2; plus strand). Cytogenetic location: 12q12.
Variant type: single nucleotide variant.
Coding change: c.28C>A on transcript NM_152641.4 (MANE Select); coding-DNA position 28, C replaced by A.
Protein change: p.Pro10Thr; replaces proline 10 with threonine.
Molecular consequence: missense variant.
Genome position (GRCh38, 1-based): chr12:45,729,864, C>A. VCF-style: chr12-45729864-C-A. GRCh37 (hg19) VCF-style: chr12-46123647-C-A.
Other names: c.28C>A, p.Pro10Thr (NM_001347839.2); short protein forms P10T.
Identifiers: ClinVar variation 133557 (VCV000133557.29), dbSNP rs560068535, ClinGen allele CA156942.